The following is an entry in ClinVar:

NM_004638.4(PRRC2A):c.4220G>A (p.Ser1407Asn)

Gene: PRRC2A (proline rich coiled-coil 2A; plus strand). Cytogenetic location: 6p21.33.
Variant type: single nucleotide variant.
Coding change: c.4220G>A on transcript NM_004638.4 (MANE Select); coding-DNA position 4220, G replaced by A.
Protein change: p.Ser1407Asn; replaces serine 1407 with asparagine.
Molecular consequence: missense variant.
Genome position (GRCh38, 1-based): chr6:31,632,893, G>A. VCF-style: chr6-31632893-G-A. GRCh37 (hg19) VCF-style: chr6-31600670-G-A.
Other names: c.4220G>A, p.Ser1407Asn (NM_080686.3); short protein forms S1407N.
Identifiers: ClinVar variation 3052538 (VCV003052538.2), dbSNP rs35464047, ClinGen allele CA3716133.

ClinVar aggregate classification (germline): Benign (0 of 4 stars; one submission).

Conditions:
PRRC2A-related disorder. Also called: PRRC2A-related condition.

Allele frequency attached by ClinVar (database versions not stated): gnomAD exomes 0.00276; ExAC 0.00406; gnomAD 0.01102; TOPMed 0.01220; 1000 Genomes Project 0.01298; ESP Exome Variant Server 0.01329; 1000 Genomes Project 30x 0.01405.
gnomAD v4.1: 5,759 of 1,612,830 alleles (0.36%); highest among the groups gnomAD compares: African/African-American, 3.5%; 45 homozygotes.

Submission:

PreventionGenetics, part of Exact Sciences
Classification: Benign for PRRC2A-related condition. Last evaluated: 2019-04-01. Review status: no assertion criteria provided. Collection method: clinical testing. Allele origin: germline.
Comment: This variant is classified as benign based on ACMG/AMP sequence variant interpretation guidelines (Richards et al. 2015 PMID: 25741868, with internal and published modifications).